The following is an entry in ClinVar:

ClinVar aggregate classification (germline): Likely benign. Review status: criteria provided, multiple submitters, no conflicts (2 of 4 stars). 2 submissions from 2 submitters: Likely benign (2). Last evaluated 2026-02-01.

Conditions:
Early-infantile DEE. Also called: Ohtahara syndrome; Early infantile epileptic encephalopathy; Early infantile epileptic encephalopathy with suppression bursts. Identifiers: Orphanet 1934, MedGen C0393706, MONDO:0800491.

Allele frequency attached by ClinVar (database versions not stated): gnomAD exomes below 0.00001; gnomAD 0.00001.
gnomAD v4.1: 3 of 1,612,548 alleles (0.00019%); highest among the groups gnomAD compares: Admixed American, 0.005%; no homozygotes.

Submissions (2):

CeGaT Center for Human Genetics Tuebingen
Classification: Likely benign. Last evaluated: 2026-02-01. Review status: criteria provided, single submitter. Criteria: CeGaT Center For Human Genetics Tuebingen Variant Classification Criteria Version 2. Collection method: clinical testing. Allele origin: germline. Affected: yes. Observed: 1 variant allele.
Comment: GNAO1: BP4

Labcorp Genetics (formerly Invitae), Labcorp
Classification: Likely benign for Early-infantile DEE. Last evaluated: 2025-12-19. Review status: criteria provided, single submitter. Criteria: Invitae Variant Classification Sherloc (09022015). Collection method: clinical testing. Allele origin: germline.

NM_020988.3(GNAO1):c.616C>A (p.Arg206=)

Gene: GNAO1 (G protein subunit alpha o1; plus strand). Cytogenetic location: 16q13.
Variant type: single nucleotide variant.
Coding change: c.616C>A on transcript NM_020988.3 (MANE Select); coding-DNA position 616, C replaced by A.
Protein change: p.Arg206=; no amino-acid change (arginine 206 retained).
Molecular consequence: synonymous variant.
Genome position (GRCh38, 1-based): chr16:56,336,753, C>A. VCF-style: chr16-56336753-C-A. GRCh37 (hg19) VCF-style: chr16-56370665-C-A.
Other names: c.616C>A, p.Arg206= (NM_138736.3).
Identifiers: ClinVar variation 1624142 (VCV001624142.13), dbSNP rs2037743862, ClinGen allele CA495573584.